The following is an entry in ClinVar:

NM_000051.4(ATM):c.1698A>G (p.Val566=)

Gene: ATM (ATM serine/threonine kinase; plus strand). Cytogenetic location: 11q22.3.
Variant type: single nucleotide variant.
Coding change: c.1698A>G on transcript NM_000051.4 (MANE Select); coding-DNA position 1698, A replaced by G.
Protein change: p.Val566=; no amino-acid change (valine 566 retained).
Molecular consequence: synonymous variant.
Genome position (GRCh38, 1-based): chr11:108,251,927, A>G. VCF-style: chr11-108251927-A-G. GRCh37 (hg19) VCF-style: chr11-108122654-A-G.
Other names: c.1698A>G, p.Val566= (NM_001351834.2).
Identifiers: ClinVar variation 1084730 (VCV001084730.12), dbSNP rs2135341613, ClinGen allele CA476672128.

ClinVar aggregate classification (germline): Benign/Likely benign. Review status: criteria provided, multiple submitters, no conflicts (2 of 4 stars). 3 submissions from 3 submitters: Benign (1); Likely benign (2). Last evaluated 2024-11-04.

Conditions:
Hereditary cancer-predisposing syndrome. Also called: Neoplastic Syndromes, Hereditary; Hereditary neoplastic syndrome; Hereditary Cancer Syndrome; Tumor predisposition. Identifiers: Orphanet 140162, MedGen C0027672, MeSH D009386, MONDO:0015356.
Familial cancer of breast. Also called: BREAST CANCER, FAMILIAL; Hereditary breast cancer; hereditary breast carcinoma. Identifiers: Orphanet 227535, MedGen C0346153, MONDO:0016419, OMIM 114480. Disease mechanism: loss of function.
Ataxia-telangiectasia syndrome (AT). Also called: Ataxia-telangiectasia, complementation group D; Ataxia-telangiectasia, complementation group E; Cerebello-oculocutaneous telangiectasia; Immunodeficiency with ataxia telangiectasia; Ataxia telangiectasia (A-T); Ataxia-telangiectasia. Identifiers: Orphanet 100, MedGen C0004135, MONDO:0008840, OMIM 208900.

Submissions (3):

Labcorp Genetics (formerly Invitae), Labcorp
Classification: Likely benign for Ataxia-telangiectasia syndrome. Last evaluated: 2024-11-04. Review status: criteria provided, single submitter. Criteria: Invitae Variant Classification Sherloc (09022015). Collection method: clinical testing. Allele origin: germline.

Myriad Genetics, Inc.
Classification: Benign for Familial cancer of breast. Last evaluated: 2024-05-01. Review status: criteria provided, single submitter. Criteria: Myriad Autosomal Dominant, Autosomal Recessive and X-Linked Classification Criteria (2023). Collection method: clinical testing. Allele origin: unknown.
Comment: This variant is considered benign. This variant is a silent/synonymous amino acid change and it is not expected to impact splicing.

Ambry Genetics
Classification: Likely benign for Hereditary cancer-predisposing syndrome. Last evaluated: 2019-07-08. Review status: criteria provided, single submitter. Criteria: Ambry Variant Classification Scheme 2023. Collection method: clinical testing. Allele origin: germline.